The following is an entry in ClinVar:

NM_018975.4(TERF2IP):c.1103T>C (p.Ile368Thr)

Gene: TERF2IP (TERF2 interacting protein; plus strand). Cytogenetic location: 16q23.1.
Variant type: single nucleotide variant.
Coding change: c.1103T>C on transcript NM_018975.4 (MANE Select); coding-DNA position 1103, T replaced by C.
Protein change: p.Ile368Thr; replaces isoleucine 368 with threonine.
Molecular consequence: missense variant. On other transcripts: non-coding transcript variant (1).
Genome position (GRCh38, 1-based): chr16:75,656,514, T>C. VCF-style: chr16-75656514-T-C. GRCh37 (hg19) VCF-style: chr16-75690412-T-C.
Other names: short protein forms I368T.
Identifiers: ClinVar variation 2497035 (VCV002497035.2), dbSNP rs1327623389, ClinGen allele CA396820266.

ClinVar aggregate classification (germline): Uncertain significance (1 of 4 stars; one submission).

Allele frequency attached by ClinVar (database versions not stated): gnomAD exomes below 0.00001; TOPMed below 0.00001.

Submission:

Ambry Genetics
Classification: Uncertain significance. Last evaluated: 2022-12-23. Review status: criteria provided, single submitter. Criteria: Ambry Variant Classification Scheme 2023. Collection method: clinical testing. Allele origin: germline.
Comment: The p.I368T variant (also known as c.1103T>C), located in coding exon 3 of the TERF2IP gene, results from a T to C substitution at nucleotide position 1103. The isoleucine at codon 368 is replaced by threonine, an amino acid with similar properties. This amino acid position is conserved. In addition, this alteration is predicted to be tolerated by in silico analysis. Since supporting evidence is limited at this time, the clinical significance of this alteration remains unclear.